The following is an entry in ClinVar:

ClinVar aggregate classification (germline): Uncertain significance (1 of 4 stars; one submission).

Conditions:
Congenital disorder of glycosylation, type IIq. Also called: CDG IIq. Identifiers: Orphanet 435934, MedGen C4479353, MONDO:0054559, OMIM 617395.

Allele frequency attached by ClinVar (database versions not stated): gnomAD 0.00001; TOPMed 0.00001.

Submission:

Labcorp Genetics (formerly Invitae), Labcorp
Classification: Uncertain significance for Congenital disorder of glycosylation, type IIq. Last evaluated: 2018-09-10. Review status: criteria provided, single submitter. Criteria: Invitae Variant Classification Sherloc (09022015). Collection method: clinical testing. Allele origin: germline.
Comment: This sequence change replaces aspartic acid with tyrosine at codon 689 of the COG2 protein (p.Asp689Tyr). The aspartic acid residue is highly conserved and there is a large physicochemical difference between aspartic acid and tyrosine. This variant is not present in population databases (ExAC no frequency). This variant has not been reported in the literature in individuals with COG2-related disease. Algorithms developed to predict the effect of missense changes on protein structure and function are either unavailable or do not agree on the potential impact of this missense change (SIFT: "Deleterious"; PolyPhen-2: "Probably Damaging"; Align-GVGD: "Class C15"). In summary, the available evidence is currently insufficient to determine the role of this variant in disease. Therefore, it has been classified as a Variant of Uncertain Significance.

NM_007357.3(COG2):c.2065G>T (p.Asp689Tyr)

Gene: COG2 (component of oligomeric golgi complex 2; plus strand). Cytogenetic location: 1q42.2.
Variant type: single nucleotide variant.
Coding change: c.2065G>T on transcript NM_007357.3 (MANE Select); coding-DNA position 2065, G replaced by T.
Protein change: p.Asp689Tyr; replaces aspartic acid 689 with tyrosine.
Molecular consequence: missense variant.
Genome position (GRCh38, 1-based): chr1:230,691,514, G>T. VCF-style: chr1-230691514-G-T. GRCh37 (hg19) VCF-style: chr1-230827260-G-T.
Other names: c.2062G>T, p.Asp688Tyr (NM_001145036.2); short protein forms D688Y, D689Y.
Identifiers: ClinVar variation 639686 (VCV000639686.5), dbSNP rs779134446, ClinGen allele CA345200037.